The following is an entry in ClinVar:

NM_000257.4(MYH7):c.1751G>A (p.Gly584Asp)

Gene: MYH7 (myosin heavy chain 7; minus strand). Cytogenetic location: 14q11.2.
Variant type: single nucleotide variant.
Coding change: c.1751G>A on transcript NM_000257.4 (MANE Select); coding-DNA position 1751, G replaced by A.
Protein change: p.Gly584Asp; replaces glycine 584 with aspartic acid.
Molecular consequence: missense variant.
Genome position (GRCh38, 1-based): chr14:23,427,722, C>T on the plus strand (G>A on the coding strand, the complement: MYH7 is on the minus strand). VCF-style: chr14-23427722-C-T. GRCh37 (hg19) VCF-style: chr14-23896931-C-T.
Other names: c.1751G>A, p.Gly584Asp (NM_001407004.1); short protein forms G584D.
Identifiers: ClinVar variation 1779405 (VCV001779405.3), dbSNP rs1595085409, ClinGen allele CA389049894.

ClinVar aggregate classification (germline): Conflicting classifications of pathogenicity. Review status: criteria provided, conflicting classifications (1 of 4 stars). 2 submissions from 2 submitters: Likely pathogenic (1); Uncertain significance (1). Last evaluated 2023-04-27.

Conditions:
Cardiomyopathy (CMYO). Also called: Cardiomyopathies. Identifiers: Orphanet 167848, MedGen C0878544, MONDO:0004994, HP:0001638. Inheritance: Various modes of inheritance.
Cardiovascular phenotype. Identifiers: MedGen CN230736.

Submissions (2):

All of Us Research Program, National Institutes of Health
Classification: Uncertain significance for Cardiomyopathy. Last evaluated: 2023-04-27. Review status: criteria provided, single submitter. Criteria: ACMG Guidelines, 2015. Collection method: clinical testing. Allele origin: germline. Inheritance: Autosomal dominant inheritance. Observed: 1 variant allele, 1 heterozygote.
Comment: This study involves interpretation of variants in research participants for the purpose of population health screening. Participant phenotype was not available at the time of variant classification. Additional details can be found in publication PMID: 35346344, PMCID: PMC8962531

Ambry Genetics
Classification: Likely pathogenic for Cardiovascular phenotype. Last evaluated: 2019-01-29. Review status: criteria provided, single submitter. Criteria: Ambry Variant Classification Scheme 2023. Collection method: clinical testing. Allele origin: germline.
Comment: The p.G584D variant (also known as c.1751G>A), located in coding exon 14 of the MYH7 gene, results from a G to A substitution at nucleotide position 1751. The glycine at codon 584 is replaced by aspartic acid, an amino acid with similar properties. Other alterations affecting the same amino acid, p.G584R (c.1750G>C) and p.G584S (c.1750G>A), have been reported in association with hypertrophic cardiomyopathy (HCM) (Solomon SD et al. J. Am. Coll. Cardiol., 1993 Aug;22:498-505; Erdmann J et al. Clin Genet. 2003;64(4):339-49). This variant was not reported in population-based cohorts in the Genome Aggregation Database (gnomAD). This amino acid position is highly conserved in available vertebrate species. In addition, this alteration is predicted to be deleterious by in silico analysis. Based on the majority of available evidence to date, this variant is likely to be pathogenic.